The following is an entry in ClinVar:

NM_173728.4(ARHGEF15):c.1945G>A (p.Gly649Arg)

Gene: ARHGEF15 (Rho guanine nucleotide exchange factor 15; plus strand). Cytogenetic location: 17p13.1.
Variant type: single nucleotide variant.
Coding change: c.1945G>A on transcript NM_173728.4 (MANE Select); coding-DNA position 1945, G replaced by A.
Protein change: p.Gly649Arg; replaces glycine 649 with arginine.
Molecular consequence: missense variant.
Genome position (GRCh38, 1-based): chr17:8,318,822, G>A. VCF-style: chr17-8318822-G-A. GRCh37 (hg19) VCF-style: chr17-8222140-G-A.
Other names: c.1945G>A, p.Gly649Arg (NM_025014.2); short protein forms G649R.
Identifiers: ClinVar variation 841347 (VCV000841347.11), dbSNP rs775161160, ClinGen allele CA8375364.

ClinVar aggregate classification (germline): Uncertain significance. Review status: criteria provided, multiple submitters, no conflicts (2 of 4 stars). 2 submissions from 2 submitters: Uncertain significance (2). Last evaluated 2023-12-12.

Conditions:
Early-infantile DEE. Also called: Ohtahara syndrome; Early infantile epileptic encephalopathy with suppression bursts; Early infantile epileptic encephalopathy. Identifiers: Orphanet 1934, MedGen C0393706, MONDO:0800491.

Allele frequency attached by ClinVar (database versions not stated): TOPMed 0.00002.
gnomAD v4.1: 14 of 1,613,550 alleles (0.00087%); highest among the groups gnomAD compares: East Asian, 0.011%; no homozygotes.

Submissions (2):

Ambry Genetics
Classification: Uncertain significance. Last evaluated: 2023-12-12. Review status: criteria provided, single submitter. Criteria: Ambry Variant Classification Scheme 2023. Collection method: clinical testing. Allele origin: germline.

Labcorp Genetics (formerly Invitae), Labcorp
Classification: Uncertain significance for Early-infantile DEE. Last evaluated: 2022-08-09. Review status: criteria provided, single submitter. Criteria: Invitae Variant Classification Sherloc (09022015). Collection method: clinical testing. Allele origin: germline.
Comment: In summary, the available evidence is currently insufficient to determine the role of this variant in disease. Therefore, it has been classified as a Variant of Uncertain Significance. Algorithms developed to predict the effect of sequence changes on RNA splicing suggest that this variant may disrupt the consensus splice site. Algorithms developed to predict the effect of missense changes on protein structure and function are either unavailable or do not agree on the potential impact of this missense change (SIFT: "Deleterious"; PolyPhen-2: "Benign"; Align-GVGD: "Class C65"). ClinVar contains an entry for this variant (Variation ID: 841347). This variant has not been reported in the literature in individuals affected with ARHGEF15-related conditions. This variant is present in population databases (rs775161160, gnomAD 0.02%). This sequence change replaces glycine, which is neutral and non-polar, with arginine, which is basic and polar, at codon 649 of the ARHGEF15 protein (p.Gly649Arg).